The following is an entry in ClinVar:

ClinVar aggregate classification (germline): Uncertain significance (1 of 4 stars; one submission).

Conditions:
Hyperkalemic periodic paralysis. Also called: Familial hyperkalemic periodic paralysis; Gamstorp disease. Identifiers: Orphanet 682, MedGen C0238357, MONDO:0008224, OMIM 170500, HP:0007215.

Submission:

Labcorp Genetics (formerly Invitae), Labcorp
Classification: Uncertain significance for Hyperkalemic periodic paralysis. Last evaluated: 2023-10-16. Review status: criteria provided, single submitter. Criteria: Invitae Variant Classification Sherloc (09022015). Collection method: clinical testing. Allele origin: germline.
Comment: This sequence change replaces glycine, which is neutral and non-polar, with valine, which is neutral and non-polar, at codon 1456 of the SCN4A protein (p.Gly1456Val). This variant is not present in population databases (gnomAD no frequency). This missense change has been observed in individual(s) with clinical features of autosomal dominant SCN4A-related conditions (Invitae). Advanced modeling of protein sequence and biophysical properties (such as structural, functional, and spatial information, amino acid conservation, physicochemical variation, residue mobility, and thermodynamic stability) has been performed at Invitae for this missense variant, however the output from this modeling did not meet the statistical confidence thresholds required to predict the impact of this variant on SCN4A protein function. This variant disrupts the p.Gly1456 amino acid residue in SCN4A. Other variant(s) that disrupt this residue have been determined to be pathogenic (PMID: 10369308). This suggests that this residue is clinically significant, and that variants that disrupt this residue are likely to be disease-causing. In summary, the available evidence is currently insufficient to determine the role of this variant in disease. Therefore, it has been classified as a Variant of Uncertain Significance.

Literature cited by the submitters: PubMed 10369308.

NM_000334.4(SCN4A):c.4367G>T (p.Gly1456Val)

Genes: SCN4A (sodium voltage-gated channel alpha subunit 4; minus strand), GH-LCR (growth hormone locus control region; plus strand). Cytogenetic location: 17q23.3.
Variant type: single nucleotide variant.
Coding change: c.4367G>T on transcript NM_000334.4 (MANE Select); coding-DNA position 4367, G replaced by T.
Protein change: p.Gly1456Val; replaces glycine 1456 with valine.
Molecular consequence: missense variant.
Genome position (GRCh38, 1-based): chr17:63,941,915, C>A on the plus strand (G>T on the coding strand, the complement: SCN4A is on the minus strand). VCF-style: chr17-63941915-C-A. GRCh37 (hg19) VCF-style: chr17-62019275-C-A.
Other names: short protein forms G1456V.
Identifiers: ClinVar variation 2753316 (VCV002753316.3), dbSNP rs121908554, ClinGen allele CA400616151.